The following is an entry in ClinVar:

ClinVar aggregate classification (germline): Likely pathogenic (1 of 4 stars; one submission).

Conditions:
Hereditary cancer-predisposing syndrome. Also called: Neoplastic Syndromes, Hereditary; Tumor predisposition; Hereditary Cancer Syndrome; Hereditary neoplastic syndrome. Identifiers: Orphanet 140162, MedGen C0027672, MeSH D009386, MONDO:0015356.

Submission:

Ambry Genetics
Classification: Likely pathogenic for Hereditary cancer-predisposing syndrome. Last evaluated: 2026-03-19. Review status: criteria provided, single submitter. Criteria: Ambry Variant Classification Scheme 2023. Collection method: clinical testing. Allele origin: germline.
Comment: The p.P286L variant (also known as c.857C>T), located in coding exon 9 of the POLE gene, results from a C to T substitution at nucleotide position 857. The proline at codon 286 is replaced by leucine, an amino acid with similar properties. This variant was reported in individual(s) with features consistent with POLE-related polymerase proofreading-associated polyposis (PPAP), and segregated with disease in at least one family (Hamzaoui N et al. Genet Med, 2020 Sep;22:1533-1541; Ambry internal data). In an assay testing POLE function, this variant showed a functionally abnormal result (Hamzaoui N et al. Genet Med, 2020 Sep;22:1533-1541). This amino acid position is highly conserved in available vertebrate species. In addition, this alteration is predicted to be deleterious by in silico analysis. Based on the majority of available evidence to date, this variant is likely to be pathogenic.

Literature cited by the submitters: PubMed 25124163; PubMed 32424176.

NM_006231.4(POLE):c.857C>T (p.Pro286Leu)

Gene: POLE (DNA polymerase epsilon, catalytic subunit; minus strand). Cytogenetic location: 12q24.33.
Variant type: single nucleotide variant.
Coding change: c.857C>T on transcript NM_006231.4 (MANE Select); coding-DNA position 857, C replaced by T.
Protein change: p.Pro286Leu; replaces proline 286 with leucine.
Molecular consequence: missense variant.
Genome position (GRCh38, 1-based): chr12:132,676,598, G>A on the plus strand (C>T on the coding strand, the complement: POLE is on the minus strand). VCF-style: chr12-132676598-G-A. GRCh37 (hg19) VCF-style: chr12-133253184-G-A.
Other names: short protein forms P286L.
Identifiers: ClinVar variation 1763909 (VCV001763909.3), dbSNP rs1057519943, ClinGen allele CA387364275.